The following is an entry in ClinVar:

NM_001440.4(EXTL3):c.715G>A (p.Val239Met)

Gene: EXTL3 (exostosin like glycosyltransferase 3; plus strand). Cytogenetic location: 8p21.1.
Variant type: single nucleotide variant.
Coding change: c.715G>A on transcript NM_001440.4 (MANE Select); coding-DNA position 715, G replaced by A.
Protein change: p.Val239Met; replaces valine 239 with methionine.
Molecular consequence: missense variant.
Genome position (GRCh38, 1-based): chr8:28,716,774, G>A. VCF-style: chr8-28716774-G-A. GRCh37 (hg19) VCF-style: chr8-28574291-G-A.
Other names: short protein forms V239M.
Identifiers: ClinVar variation 3644979 (VCV003644979.2).

ClinVar aggregate classification (germline): Uncertain significance (1 of 4 stars; one submission).

gnomAD v4.1: 11 of 1,614,238 alleles (0.00068%); highest among the groups gnomAD compares: South Asian, 0.0044%; no homozygotes.

Submission:

Labcorp Genetics (formerly Invitae), Labcorp
Classification: Uncertain significance. Last evaluated: 2024-03-07. Review status: criteria provided, single submitter. Criteria: Invitae Variant Classification Sherloc (09022015). Collection method: clinical testing. Allele origin: germline.
Comment: This sequence change replaces valine, which is neutral and non-polar, with methionine, which is neutral and non-polar, at codon 239 of the EXTL3 protein (p.Val239Met). This variant is present in population databases (rs371352200, gnomAD 0.002%). This variant has not been reported in the literature in individuals affected with EXTL3-related conditions. Advanced modeling of protein sequence and biophysical properties (such as structural, functional, and spatial information, amino acid conservation, physicochemical variation, residue mobility, and thermodynamic stability) performed at Invitae indicates that this missense variant is not expected to disrupt EXTL3 protein function with a negative predictive value of 80%. In summary, the available evidence is currently insufficient to determine the role of this variant in disease. Therefore, it has been classified as a Variant of Uncertain Significance.